The following is an entry in ClinVar:

NM_000301.5(PLG):c.1847G>T (p.Trp616Leu)

Genes: PLG (plasminogen; plus strand), LOC126859861 (CDK7 strongly-dependent group 2 enhancer GRCh37_chr6:161158745-161159944; plus strand). Cytogenetic location: 6q26.
Variant type: single nucleotide variant.
Coding change: c.1847G>T on transcript NM_000301.5 (MANE Select); coding-DNA position 1847, G replaced by T.
Protein change: p.Trp616Leu; replaces tryptophan 616 with leucine.
Molecular consequence: missense variant.
Genome position (GRCh38, 1-based): chr6:160,738,582, G>T. VCF-style: chr6-160738582-G-T. GRCh37 (hg19) VCF-style: chr6-161159614-G-T.
Other names: short protein forms W616L.
Identifiers: ClinVar variation 3687448 (VCV003687448.2).

ClinVar aggregate classification (germline): Uncertain significance (1 of 4 stars; one submission).

Submission:

Labcorp Genetics (formerly Invitae), Labcorp
Classification: Uncertain significance. Last evaluated: 2024-12-26. Review status: criteria provided, single submitter. Criteria: Invitae Variant Classification Sherloc (09022015). Collection method: clinical testing. Allele origin: germline.
Comment: This sequence change replaces tryptophan, which is neutral and slightly polar, with leucine, which is neutral and non-polar, at codon 616 of the PLG protein (p.Trp616Leu). This variant is not present in population databases (gnomAD no frequency). This variant has not been reported in the literature in individuals affected with PLG-related conditions. Invitae Evidence Modeling of protein sequence and biophysical properties (such as structural, functional, and spatial information, amino acid conservation, physicochemical variation, residue mobility, and thermodynamic stability) indicates that this missense variant is not expected to disrupt PLG protein function with a negative predictive value of 80%. In summary, the available evidence is currently insufficient to determine the role of this variant in disease. Therefore, it has been classified as a Variant of Uncertain Significance.